The following is an entry in ClinVar:

NM_019098.5(CNGB3):c.1593G>C (p.Gln531His)

Gene: CNGB3 (cyclic nucleotide gated channel subunit beta 3; minus strand). Cytogenetic location: 8q21.3.
Variant type: single nucleotide variant.
Coding change: c.1593G>C on transcript NM_019098.5 (MANE Select); coding-DNA position 1593, G replaced by C.
Protein change: p.Gln531His; replaces glutamine 531 with histidine.
Molecular consequence: missense variant.
Genome position (GRCh38, 1-based): chr8:86,611,657, C>G on the plus strand (G>C on the coding strand, the complement: CNGB3 is on the minus strand). VCF-style: chr8-86611657-C-G. GRCh37 (hg19) VCF-style: chr8-87623885-C-G.
Other names: short protein forms Q531H.
Identifiers: ClinVar variation 1999951 (VCV001999951.4), dbSNP rs1379641710, ClinGen allele CA371438808.

ClinVar aggregate classification (germline): Uncertain significance (1 of 4 stars; one submission).

Submission:

Labcorp Genetics (formerly Invitae), Labcorp
Classification: Uncertain significance. Last evaluated: 2022-05-28. Review status: criteria provided, single submitter. Criteria: Invitae Variant Classification Sherloc (09022015). Collection method: clinical testing. Allele origin: germline.
Comment: This variant has not been reported in the literature in individuals affected with CNGB3-related conditions. This sequence change replaces glutamine, which is neutral and polar, with histidine, which is basic and polar, at codon 531 of the CNGB3 protein (p.Gln531His). This variant is not present in population databases (gnomAD no frequency). Algorithms developed to predict the effect of missense changes on protein structure and function are either unavailable or do not agree on the potential impact of this missense change (SIFT: "Deleterious"; PolyPhen-2: "Benign"; Align-GVGD: "Class C0"). In summary, the available evidence is currently insufficient to determine the role of this variant in disease. Therefore, it has been classified as a Variant of Uncertain Significance.